The following is an entry in ClinVar:

ClinVar aggregate classification (germline): Likely pathogenic (1 of 4 stars; one submission).

Conditions:
Hereditary spastic paraplegia 4. Also called: Spastic paraplegia 4, autosomal dominant; Spastic Paraplegia 4; Familial spastic paraplegia autosomal dominant 2. Identifiers: Orphanet 100985, MedGen C1866855, MONDO:0008438, OMIM 182601.

Submission:

Molecular Genetics, Royal Melbourne Hospital
Classification: Likely pathogenic for Hereditary spastic paraplegia 4. Last evaluated: 2023-03-30. Review status: criteria provided, single submitter. Criteria: ACMG Guidelines, 2015. Collection method: clinical testing. Allele origin: germline. Affected: yes.
Comment: This sequence change affects the canonical acceptor splice site in intron 6 of SPAST. It is expected to disrupt RNA splicing through loss of the native acceptor site and activation of a cryptic acceptor site, resulting in nonsense-mediated decay. RNA assays of a similar variant affecting the same acceptor splice site demonstrate usage of the cryptic acceptor site (PMID: 12023066). Loss of function is an established mechanism of disease for this gene (PVS1; ClinVar). The variant is absent in a large population cohort (PM2; gnomAD v2.1 and v3.0), and to our knowledge has not been reported in the relevant medical literature or databases. Based on the classification scheme RMH ACMG Guidelines v1.2.1, this variant is classified as LIKELY PATHOGENIC. Following criteria are met: PVS1, PM2.

Literature cited by the submitters: PubMed 12023066.

NM_014946.4(SPAST):c.1005-2A>C

Gene: SPAST (spastin; plus strand). Cytogenetic location: 2p22.3.
Variant type: single nucleotide variant.
Coding change: c.1005-2A>C on transcript NM_014946.4 (MANE Select); the canonical splice acceptor site of the intron before coding-DNA position 1005, A replaced by C.
Molecular consequence: splice acceptor variant.
Genome position (GRCh38, 1-based): chr2:32,116,117, A>C. VCF-style: chr2-32116117-A-C. GRCh37 (hg19) VCF-style: chr2-32341186-A-C.
Other names: c.909-2A>C (NM_199436.2, NM_001377959.1); c.1002-2A>C (NM_001363823.2); c.906-2A>C (NM_001363875.2).
Identifiers: ClinVar variation 1678557 (VCV001678557.2), dbSNP rs1553315316, ClinGen allele CA346499572.